The following is an entry in ClinVar:

ClinVar aggregate classification (germline): Likely benign. Review status: criteria provided, single submitter (1 of 4 stars). 2 submissions from 2 submitters: Likely benign (1). 1 of the submissions does not count toward it. Last evaluated 2023-10-22.

Conditions:
Severe combined immunodeficiency due to LCK deficiency. Also called: Immunodeficiency 22. Identifiers: Orphanet 280142, MedGen C4014233, MONDO:0014334, OMIM 615758.
LCK-related disorder. Also called: LCK-related condition.

Allele frequency attached by ClinVar (database versions not stated): TOPMed below 0.00001; gnomAD 0.00001; gnomAD exomes 0.00001.
gnomAD v4.1: 5 of 1,613,982 alleles (0.00031%); highest among the groups gnomAD compares: Admixed American, 0.0017%; no homozygotes.

Submissions (2):

Labcorp Genetics (formerly Invitae), Labcorp
Classification: Likely benign for Severe combined immunodeficiency due to LCK deficiency. Last evaluated: 2023-10-22. Review status: criteria provided, single submitter. Criteria: Invitae Variant Classification Sherloc (09022015). Collection method: clinical testing. Allele origin: germline.

PreventionGenetics, part of Exact Sciences
Classification: Likely benign for LCK-related condition. Last evaluated: 2023-09-11. Review status: no assertion criteria provided. Collection method: clinical testing. Allele origin: germline. Not counted in ClinVar's aggregate classification.
Comment: This variant is classified as likely benign based on ACMG/AMP sequence variant interpretation guidelines (Richards et al. 2015 PMID: 25741868, with internal and published modifications).

NM_005356.5(LCK):c.1464C>T (p.Asp488=)

Gene: LCK (LCK proto-oncogene, Src family tyrosine kinase; plus strand). Cytogenetic location: 1p35.2.
Variant type: single nucleotide variant.
Coding change: c.1464C>T on transcript NM_005356.5 (MANE Select); coding-DNA position 1464, C replaced by T.
Protein change: p.Asp488=; no amino-acid change (aspartic acid 488 retained).
Molecular consequence: synonymous variant.
Genome position (GRCh38, 1-based): chr1:32,285,650, C>T. VCF-style: chr1-32285650-C-T. GRCh37 (hg19) VCF-style: chr1-32751251-C-T.
Other names: c.1464C>T, p.Asp488= (NM_001042771.3); c.1311C>T, p.Asp437= (NM_001330468.2); c.1464C>T (NM_001042771.2).
Identifiers: ClinVar variation 1149766 (VCV001149766.11), dbSNP rs1223366825, ClinGen allele CA417040168.